The following is an entry in ClinVar:

ClinVar aggregate classification (germline): Uncertain significance (1 of 4 stars; one submission).

Submission:

Ambry Genetics
Classification: Uncertain significance. Last evaluated: 2023-12-23. Review status: criteria provided, single submitter. Criteria: Ambry Variant Classification Scheme 2023. Collection method: clinical testing. Allele origin: germline.
Comment: The p.P39R variant (also known as c.116C>G), located in coding exon 2 of the ALPK2 gene, results from a C to G substitution at nucleotide position 116. The proline at codon 39 is replaced by arginine, an amino acid with dissimilar properties. This amino acid position is conserved. In addition, this alteration is predicted to be deleterious by in silico analysis. Since supporting evidence is limited at this time, the clinical significance of this alteration remains unclear.

NM_052947.4(ALPK2):c.116C>G (p.Pro39Arg)

Gene: ALPK2 (alpha kinase 2; minus strand). Cytogenetic location: 18q21.32.
Variant type: single nucleotide variant.
Coding change: c.116C>G on transcript NM_052947.4 (MANE Select); coding-DNA position 116, C replaced by G.
Protein change: p.Pro39Arg; replaces proline 39 with arginine.
Molecular consequence: missense variant.
Genome position (GRCh38, 1-based): chr18:58,607,433, G>C on the plus strand (C>G on the coding strand, the complement: ALPK2 is on the minus strand). VCF-style: chr18-58607433-G-C. GRCh37 (hg19) VCF-style: chr18-56274665-G-C.
Other names: short protein forms P39R.
Identifiers: ClinVar variation 1739134 (VCV001739134.2), dbSNP rs774290524, ClinGen allele CA300913712.